The following is an entry in ClinVar:

ClinVar aggregate classification (germline): not provided (0 of 4 stars; one submission).

Conditions:
Familial cold autoinflammatory syndrome 1 (FCAS1). Also called: CRYOPYRIN-ASSOCIATED PERIODIC SYNDROME 1; Familial cold inflammatory syndrome 1. Identifiers: Orphanet 47045, MedGen C4551895, MONDO:0007349, OMIM 120100.

Submission:

Unité médicale des maladies autoinflammatoires, CHRU Montpellier
No classification provided. Condition: Familial cold urticaria. Review status: no classification provided. Collection method: not provided. Allele origin: unknown.
Comment: also involved in OMIM 191900 and 607115

NM_001243133.2(NLRP3):c.779G>T (p.Arg260Leu)

Gene: NLRP3 (NLR family pyrin domain containing 3; plus strand). Cytogenetic location: 1q44.
Variant type: single nucleotide variant.
Coding change: c.779G>T on transcript NM_001243133.2 (MANE Select); coding-DNA position 779, G replaced by T.
Protein change: p.Arg260Leu; replaces arginine 260 with leucine.
Molecular consequence: missense variant.
Genome position (GRCh38, 1-based): chr1:247,424,228, G>T. VCF-style: chr1-247424228-G-T. GRCh37 (hg19) VCF-style: chr1-247587530-G-T.
Other names: c.779G>T, p.Arg260Leu (NM_001079821.3, NM_001127461.3, NM_001127462.3 and 1 more transcripts); c.785G>T, p.Arg262Leu (NM_004895.5); short protein forms R262L, R260L.
Identifiers: ClinVar variation 97970 (VCV000097970.1), dbSNP rs180177442, ClinGen allele CA281355.